The following continues an entry in ClinVar:

NM_007294.4(BRCA1):c.2458A>G (p.Lys820Glu)

Gene: BRCA1. ClinVar aggregate classification (germline): Benign. Benign (1).

Submissions 20 to 35 of 35:

Ambry Genetics
Classification: Benign for Hereditary cancer-predisposing syndrome. Last evaluated: 2014-11-18. Review status: criteria provided, single submitter. Criteria: Ambry Variant Classification Scheme 2023. Collection method: clinical testing. Allele origin: germline. Not counted in ClinVar's aggregate classification.

Molecular Genetics Laboratory, University of Michigan
Classification: Benign for Breast-ovarian cancer, familial, susceptibility to, 1. Last evaluated: 2014-11-03. Review status: criteria provided, single submitter. Criteria: ACMG Guidelines, 2015. Collection method: clinical testing. Allele origin: germline. Affected: yes. Not counted in ClinVar's aggregate classification.

Eurofins Ntd Llc (ga)
Classification: Benign. Last evaluated: 2014-07-01. Review status: criteria provided, single submitter. Criteria: EGL Classification Definitions 2015. Collection method: clinical testing. Allele origin: germline. Observed: 6 variant alleles, 6 heterozygotes. Not counted in ClinVar's aggregate classification.

Women's Health and Genetics/Laboratory Corporation of America, LabCorp
Classification: Benign for Hereditary breast ovarian cancer syndrome. Last evaluated: 2014-02-12. Review status: criteria provided, single submitter. Criteria: LabCorp Variant Classification Summary - May 2015. Collection method: clinical testing. Allele origin: germline. Not counted in ClinVar's aggregate classification.

Breakthrough Genomics
Classification: Benign. Review status: criteria provided, single submitter. Criteria: ACMG Guidelines, 2015. Collection method: not provided. Allele origin: germline. Inheritance: Autosomal recessive inheritance. Affected: yes. Not counted in ClinVar's aggregate classification.

PreventionGenetics, part of Exact Sciences
Classification: Benign. Review status: criteria provided, single submitter. Criteria: ACMG Guidelines, 2015. Collection method: clinical testing. Allele origin: germline. Not counted in ClinVar's aggregate classification.

Mayo Clinic Laboratories, Mayo Clinic
Classification: Likely benign. Last evaluated: 2018-02-19. Review status: no assertion criteria provided. Collection method: clinical testing. Allele origin: unknown. Not counted in ClinVar's aggregate classification.

Pathway Genomics
Classification: Likely benign for hereditary breast and ovarian cancer, BROVCA1. Last evaluated: 2014-07-24. Review status: no assertion criteria provided. Collection method: literature only. Allele origin: germline. Not counted in ClinVar's aggregate classification.

Counsyl
Classification: Benign for Breast-ovarian cancer, familial 1. Last evaluated: 2014-02-14. Review status: no assertion criteria provided. Collection method: literature only. Allele origin: unknown. Inheritance: Autosomal dominant inheritance. Not counted in ClinVar's aggregate classification.

ITMI
No classification provided. Condition: AllHighlyPenetrant. Last evaluated: 2013-09-19. Review status: no classification provided. Collection method: reference population. Allele origin: germline. Not counted in ClinVar's aggregate classification.
Comment: Please see associated publication for description of ethnicities

Foulkes Cancer Genetics LDI, Lady Davis Institute for Medical Research
Classification: Benign for Breast and/or ovarian cancer. Last evaluated: 2013-04-23. Review status: no assertion criteria provided. Collection method: clinical testing. Allele origin: germline. Study: The Canadian Open Genetics Repository (COGR). Not counted in ClinVar's aggregate classification.

Biesecker Lab/Clinical Genomics Section, National Institutes of Health
Classification: Benign. Last evaluated: 2012-07-13. Review status: no assertion criteria provided. Collection method: research. Allele origin: germline. Affected: no. Observed: 1 variant allele. Study: ClinSeq. Not counted in ClinVar's aggregate classification.
ClinVar note: Converted during submission from no known pathogenicity to Benign.

Breast Cancer Information Core (BIC) (BRCA1)
Classification: Uncertain significance for Breast-ovarian cancer, familial 1. Last evaluated: 2002-05-29. Review status: no assertion criteria provided. Collection method: clinical testing. Allele origin: germline. Affected: yes. Observed: 29 variant alleles. Not counted in ClinVar's aggregate classification.

Clinical Genetics Laboratory, Department of Pathology, Netherlands Cancer Institute
Classification: Benign. Review status: no assertion criteria provided. Collection method: clinical testing. Allele origin: germline. Affected: yes. Study: VKGL Data-share Consensus. Not counted in ClinVar's aggregate classification.

Department of Pathology and Laboratory Medicine, Sinai Health System
Classification: Benign. Review status: no assertion criteria provided. Collection method: clinical testing. Allele origin: unknown. Affected: yes. Observed: 1 variant allele. Study: The Canadian Open Genetics Repository (COGR). Not counted in ClinVar's aggregate classification.
Comment: The p.Lys820Glu variant has been identified in 7 of 4428 proband chromosomes (frequency 0.002) in individuals with breast or ovarian cancers (Capanu 2011, Fackenthal 2005, Jalkh 2012); however control chromosomes from healthy individuals were not included in these studies. This variant was identified in dbSNP (rs56082113) and with a frequency of 3% in the African American population from the Exome Variant Server. The variant was also reported 30x in BIC as a variant of unknown clinical importance, and 10x in the UMD as a neutral variant which co-occurred with a known BRCA1 pathogenic mutation (c.3607C>T (p.Arg1203X)). The p.Lys820 residue is not conserved in evolution and the variant amino acid (Glu) is present in macaque and opossum. Furthermore, computational analyses (PolyPhen2, SIFT, AlignGVGD) do not suggest a high likelihood of impact to the protein, and two in silico studies have concluded this variant to be neutral or of little clinical significance (Lindor 2012, Tavtigian 2006); however, this information is not predictive enough to rule out pathogenicity. In summary, based on the above information, the clinical significance of this variant cannot be determined with certainty at this time although we would lean towards a more benign role for this variant. This variant is classified as benign.

Joint Genome Diagnostic Labs from Nijmegen and Maastricht, Radboudumc and MUMC+
Classification: Benign. Review status: no assertion criteria provided. Collection method: clinical testing. Allele origin: germline. Affected: yes. Study: VKGL Data-share Consensus. Not counted in ClinVar's aggregate classification.

Literature cited by the submitters: PubMed 21990134 (cited by 3 submitters); DOI 10.3389/fgene.2022.834265 (cited by National Health Laboratory Service, Universitas Academic Hospital and University of the Free State); PubMed 36329109 (cited by Genetics Program, Instituto Nacional de Cancer); PubMed 22995991 (cited by Women's Health and Genetics/Laboratory Corporation of America, LabCorp); PubMed 16267036 (cited by Women's Health and Genetics/Laboratory Corporation of America, LabCorp); PubMed 20104584 (cited by Women's Health and Genetics/Laboratory Corporation of America, LabCorp); PubMed 22713736 (cited by Women's Health and Genetics/Laboratory Corporation of America, LabCorp); PubMed 21520273 (cited by Women's Health and Genetics/Laboratory Corporation of America, LabCorp and Counsyl); PubMed 23192404 (cited by Women's Health and Genetics/Laboratory Corporation of America, LabCorp); PubMed 16234499 (cited by Women's Health and Genetics/Laboratory Corporation of America, LabCorp); PubMed 22034289 (cited by Women's Health and Genetics/Laboratory Corporation of America, LabCorp); PubMed 12354784 (cited by Women's Health and Genetics/Laboratory Corporation of America, LabCorp and Counsyl); PubMed 16014699 (cited by Pathway Genomics and Counsyl); PubMed 15235020 (cited by Pathway Genomics and Counsyl); PubMed 8807330 (cited by Counsyl); PubMed 24728327 (cited by ITMI).